The following is an entry in ClinVar:

ClinVar aggregate classification (germline): Conflicting classifications of pathogenicity. Review status: criteria provided, conflicting classifications (1 of 4 stars). 2 submissions from 2 submitters: Uncertain significance (1); Likely benign (1). Last evaluated 2025-08-01.

Conditions:
Inborn genetic diseases. Identifiers: MedGen C0950123, MeSH D030342.

gnomAD v4.1: 5 of 1,613,928 alleles (0.00031%); highest among the groups gnomAD compares: Non-Finnish European, 0.00042%; no homozygotes.

Submissions (2):

Ambry Genetics
Classification: Likely benign for Inborn genetic diseases. Last evaluated: 2025-08-01. Review status: criteria provided, single submitter. Criteria: Ambry Variant Classification Scheme 2023. Collection method: clinical testing. Allele origin: germline.

Labcorp Genetics (formerly Invitae), Labcorp
Classification: Uncertain significance. Last evaluated: 2025-04-13. Review status: criteria provided, single submitter. Criteria: Invitae Variant Classification Sherloc (09022015). Collection method: clinical testing. Allele origin: germline.
Comment: This sequence change replaces valine, which is neutral and non-polar, with methionine, which is neutral and non-polar, at codon 465 of the LYN protein (p.Val465Met). This variant is present in population databases (rs377327132, gnomAD 0.0009%). This variant has not been reported in the literature in individuals affected with LYN-related conditions. An algorithm developed to predict the effect of missense changes on protein structure and function outputs the following: PolyPhen-2: "Benign". The methionine amino acid residue is found in multiple mammalian species, which suggests that this missense change does not adversely affect protein function. In summary, the available evidence is currently insufficient to determine the role of this variant in disease. Therefore, it has been classified as a Variant of Uncertain Significance.

NM_002350.4(LYN):c.1393G>A (p.Val465Met)

Gene: LYN (LYN proto-oncogene, Src family tyrosine kinase; plus strand). Cytogenetic location: 8q12.1.
Variant type: single nucleotide variant.
Coding change: c.1393G>A on transcript NM_002350.4 (MANE Select); coding-DNA position 1393, G replaced by A.
Protein change: p.Val465Met; replaces valine 465 with methionine.
Molecular consequence: missense variant.
Genome position (GRCh38, 1-based): chr8:56,009,964, G>A. VCF-style: chr8-56009964-G-A. GRCh37 (hg19) VCF-style: chr8-56922523-G-A.
Other names: c.1330G>A, p.Val444Met (NM_001111097.3); short protein forms V465M, V444M.
Identifiers: ClinVar variation 4101665 (VCV004101665.2).